The following is an entry in ClinVar:

NM_001199397.3(NEK1):c.2967T>G (p.Ile989Met)

Gene: NEK1 (NIMA related kinase 1; minus strand). Cytogenetic location: 4q33.
Variant type: single nucleotide variant.
Coding change: c.2967T>G on transcript NM_001199397.3 (MANE Select); coding-DNA position 2967, T replaced by G.
Protein change: p.Ile989Met; replaces isoleucine 989 with methionine.
Molecular consequence: missense variant. On other transcripts: non-coding transcript variant (1).
Genome position (GRCh38, 1-based): chr4:169,426,153, A>C on the plus strand (T>G on the coding strand, the complement: NEK1 is on the minus strand). VCF-style: chr4-169426153-A-C. GRCh37 (hg19) VCF-style: chr4-170347304-A-C.
Other names: c.2883T>G (NM_012224.2); c.2835T>G, p.Ile945Met (NM_001199398.3); c.2676T>G, p.Ile892Met (NM_001199399.3); c.2751T>G, p.Ile917Met (NM_001199400.3); c.2967T>G, p.Ile989Met (NM_001374418.1); c.2883T>G, p.Ile961Met (NM_001374419.1, NM_012224.4); c.2832T>G, p.Ile944Met (NM_001374420.1); c.2484T>G, p.Ile828Met (NM_001374421.1); short protein forms I828M, I945M, I961M, I944M, I892M, I989M, I917M.
Identifiers: ClinVar variation 3709227 (VCV003709227.3).

ClinVar aggregate classification (germline): Uncertain significance. Review status: criteria provided, multiple submitters, no conflicts (2 of 4 stars). 2 submissions from 2 submitters: Uncertain significance (2). Last evaluated 2026-03-26.

Conditions:
Inborn genetic diseases. Identifiers: MedGen C0950123, MeSH D030342.
Short-rib thoracic dysplasia 6 with or without polydactyly (SRTD6). Also called: SHORT-RIB THORACIC DYSPLASIA 6 WITH POLYDACTYLY; SHORT RIB-POLYDACTYLY SYNDROME, TYPE IIA; SHORT-RIB THORACIC DYSPLASIA 6 WITHOUT POLYDACTYLY; POLYDACTYLY WITH NEONATAL CHONDRODYSTROPHY, TYPE II; Majewski Syndrome. Identifiers: MedGen C0024507, MONDO:0009894, OMIM 263520.

gnomAD v4.1: 5 of 1,612,258 alleles (0.00031%); highest among the groups gnomAD compares: Middle Eastern, 0.017%; no homozygotes.

Submissions (2):

Ambry Genetics
Classification: Uncertain significance for Inborn genetic diseases. Last evaluated: 2026-03-26. Review status: criteria provided, single submitter. Criteria: Ambry Variant Classification Scheme 2023. Collection method: clinical testing. Allele origin: germline.

Labcorp Genetics (formerly Invitae), Labcorp
Classification: Uncertain significance for Short-rib thoracic dysplasia 6 with or without polydactyly. Last evaluated: 2024-04-29. Review status: criteria provided, single submitter. Criteria: Invitae Variant Classification Sherloc (09022015). Collection method: clinical testing. Allele origin: germline.
Comment: This sequence change replaces isoleucine, which is neutral and non-polar, with methionine, which is neutral and non-polar, at codon 961 of the NEK1 protein (p.Ile961Met). This variant is present in population databases (no rsID available, gnomAD no frequency). This variant has not been reported in the literature in individuals affected with NEK1-related conditions. Advanced modeling of protein sequence and biophysical properties (such as structural, functional, and spatial information, amino acid conservation, physicochemical variation, residue mobility, and thermodynamic stability) performed at Invitae indicates that this missense variant is not expected to disrupt NEK1 protein function with a negative predictive value of 95%. In summary, the available evidence is currently insufficient to determine the role of this variant in disease. Therefore, it has been classified as a Variant of Uncertain Significance.